The following is an entry in ClinVar:

ClinVar aggregate classification (germline): Uncertain significance (1 of 4 stars; one submission).

Submission:

Women's Health and Genetics/Laboratory Corporation of America, LabCorp
Classification: Uncertain significance. Last evaluated: 2023-11-17. Review status: criteria provided, single submitter. Criteria: LabCorp Variant Classification Summary - May 2015. Collection method: clinical testing. Allele origin: germline.
Comment: Variant summary: PDE11A c.2611G>C (p.Glu871Gln) results in a conservative amino acid change located in the 3'5'-cyclic nucleotide phosphodiesterase, catalytic domain (IPR002073) of the encoded protein sequence. Four of five in-silico tools predict a benign effect of the variant on protein function. The variant was absent in 251192 control chromosomes (gnomAD). The available data on variant occurrences in the general population are insufficient to allow any conclusion about variant significance. To our knowledge, no occurrence of c.2611G>C in individuals affected with Pigmented Nodular Adrenocortical Disease, Primary, 2 and no experimental evidence demonstrating its impact on protein function have been reported. No submitters have cited clinical-significance assessments for this variant to ClinVar after 2014. Based on the evidence outlined above, the variant was classified as uncertain significance.

NM_016953.4(PDE11A):c.2611G>C (p.Glu871Gln)

Gene: PDE11A (phosphodiesterase 11A; minus strand). Cytogenetic location: 2q31.2.
Variant type: single nucleotide variant.
Coding change: c.2611G>C on transcript NM_016953.4 (MANE Select); coding-DNA position 2611, G replaced by C.
Protein change: p.Glu871Gln; replaces glutamic acid 871 with glutamine.
Molecular consequence: missense variant.
Genome position (GRCh38, 1-based): chr2:177,663,901, C>G on the plus strand (G>C on the coding strand, the complement: PDE11A is on the minus strand). VCF-style: chr2-177663901-C-G. GRCh37 (hg19) VCF-style: chr2-178528629-C-G.
Other names: c.1279G>C, p.Glu427Gln (NM_001077196.2); c.1861G>C, p.Glu621Gln (NM_001077197.2); c.1537G>C, p.Glu513Gln (NM_001077358.2); short protein forms E427Q, E513Q, E621Q, E871Q.
Identifiers: ClinVar variation 2682614 (VCV002682614.1), dbSNP rs1197698140, ClinGen allele CA349371398.